The following is an entry in ClinVar:

NM_014956.5(CEP164):c.236del (p.Asn79fs)

Gene: CEP164 (centrosomal protein 164; plus strand). Cytogenetic location: 11q23.3.
Variant type: Deletion.
Coding change: c.236del on transcript NM_014956.5 (MANE Select); coding-DNA position 236, one base deleted (A; older notation c.236delA).
Protein change: p.Asn79fs; shifts the reading frame from asparagine 79.
Molecular consequence: frameshift variant.
Genome position (GRCh38, 1-based): chr11:117,351,831, A deleted; the last of 2 consecutive A bases (chr11:117,351,830-117,351,831); deleting either gives the same sequence. VCF-style (leftmost placement, unchanged base first): chr11-117351829-CA-C. GRCh37 (hg19) VCF-style: chr11-117222545-CA-C.
Other names: c.236del, p.Asn79fs (NM_001271933.2, NM_001440949.1, NM_001440950.1 and 36 more transcripts); c.98del, p.Asn33fs (NM_001440960.1); short protein forms N33fs, N79fs.
Identifiers: ClinVar variation 4992655 (VCV004992655.1).

ClinVar aggregate classification (germline): Likely pathogenic (1 of 4 stars; one submission).

Conditions:
CEP164-related disorder. Also called: CEP164-related condition.

Submission:

PreventionGenetics, part of Exact Sciences
Classification: Likely pathogenic for CEP164-related condition. Last evaluated: 2026-07-08. Review status: criteria provided, single submitter. Criteria: ACMG Guidelines, 2015. Collection method: clinical testing. Allele origin: germline.
Comment: The CEP164 c.236delA variant is predicted to result in a frameshift and premature protein termination (p.Asn79Thrfs*18). To our knowledge, this variant has not been reported in the literature or in a large population database (gnomAD), indicating this variant is rare. Frameshift variants in CEP164 are expected to be pathogenic. This variant is interpreted as likely pathogenic.